The following is an entry in ClinVar:

NM_006767.4(LZTR1):c.148A>G (p.Thr50Ala)

Gene: LZTR1 (leucine zipper like post translational regulator 1; plus strand). Cytogenetic location: 22q11.21.
Variant type: single nucleotide variant.
Coding change: c.148A>G on transcript NM_006767.4 (MANE Select); coding-DNA position 148, A replaced by G.
Protein change: p.Thr50Ala; replaces threonine 50 with alanine.
Molecular consequence: missense variant.
Genome position (GRCh38, 1-based): chr22:20,982,519, A>G. VCF-style: chr22-20982519-A-G. GRCh37 (hg19) VCF-style: chr22-21336808-A-G.
Other names: short protein forms T50A.
Identifiers: ClinVar variation 3869251 (VCV003869251.1).

ClinVar aggregate classification (germline): Uncertain significance (1 of 4 stars; one submission).

Conditions:
Hereditary cancer-predisposing syndrome. Also called: Hereditary neoplastic syndrome; Neoplastic Syndromes, Hereditary; Tumor predisposition; Hereditary Cancer Syndrome. Identifiers: Orphanet 140162, MedGen C0027672, MeSH D009386, MONDO:0015356.
Cardiovascular phenotype. Identifiers: MedGen CN230736.

Submission:

Ambry Genetics
Classification: Uncertain significance for Cardiovascular phenotype; Hereditary cancer-predisposing syndrome. Last evaluated: 2024-12-22. Review status: criteria provided, single submitter. Criteria: Ambry Variant Classification Scheme 2023. Collection method: clinical testing. Allele origin: germline.
Comment: The p.T50A variant (also known as c.148A>G), located in coding exon 1 of the LZTR1 gene, results from an A to G substitution at nucleotide position 148. The threonine at codon 50 is replaced by alanine, an amino acid with similar properties. This amino acid position is conserved. In addition, the in silico prediction for this alteration is inconclusive. Based on the available evidence, the clinical significance of this variant remains unclear.